The following is an entry in ClinVar:

NM_000038.6(APC):c.1582G>A (p.Ala528Thr)

Gene: APC (APC regulator of Wnt signaling pathway; plus strand). Cytogenetic location: 5q22.2.
Variant type: single nucleotide variant.
Coding change: c.1582G>A on transcript NM_000038.6 (MANE Select); coding-DNA position 1582, G replaced by A.
Protein change: p.Ala528Thr; replaces alanine 528 with threonine.
Molecular consequence: missense variant.
Genome position (GRCh38, 1-based): chr5:112,827,962, G>A. VCF-style: chr5-112827962-G-A. GRCh37 (hg19) VCF-style: chr5-112163659-G-A.
Other names: c.1582G>A, p.Ala528Thr (NM_001127510.3, NM_001354895.2); c.1528G>A, p.Ala510Thr (NM_001127511.3); c.1636G>A, p.Ala546Thr (NM_001354896.2); c.1612G>A, p.Ala538Thr (NM_001354897.2); c.1507G>A, p.Ala503Thr (NM_001354898.2); c.1498G>A, p.Ala500Thr (NM_001354899.2); c.1459G>A, p.Ala487Thr (NM_001354900.2); c.1405G>A, p.Ala469Thr (NM_001354901.2); and 5 more; short protein forms A245T, A402T, A503T, A437T, A469T, A510T, A528T, A546T.
Identifiers: ClinVar variation 921844 (VCV000921844.8), dbSNP rs757157018, ClinGen allele CA16024764.

ClinVar aggregate classification (germline): Uncertain significance. Review status: criteria provided, multiple submitters, no conflicts (2 of 4 stars). 3 submissions from 3 submitters: Uncertain significance (3). Last evaluated 2025-06-19.

Conditions:
Hereditary cancer-predisposing syndrome. Also called: Neoplastic Syndromes, Hereditary; Tumor predisposition; Hereditary Cancer Syndrome; Hereditary neoplastic syndrome. Identifiers: Orphanet 140162, MedGen C0027672, MeSH D009386, MONDO:0015356.
Familial adenomatous polyposis 1 (FAP1). Also called: FAMILIAL ADENOMATOUS POLYPOSIS 1, ATTENUATED; POLYPOSIS, ADENOMATOUS INTESTINAL. Identifiers: MedGen C2713442, MONDO:0021056, OMIM 175100. Disease mechanism: loss of function.

Allele frequency attached by ClinVar (database versions not stated): gnomAD 0.00001; TOPMed 0.00001.
gnomAD v4.1: 1 of 1,613,174 alleles (0.000062%); highest among the groups gnomAD compares: Non-Finnish European, 0.000085%; no homozygotes.

Submissions (3):

Ambry Genetics
Classification: Uncertain significance for Hereditary cancer-predisposing syndrome. Last evaluated: 2025-06-19. Review status: criteria provided, single submitter. Criteria: Ambry Variant Classification Scheme 2023. Collection method: clinical testing. Allele origin: germline.
Comment: The p.A528T variant (also known as c.1582G>A), located in coding exon 12 of the APC gene, results from a G to A substitution at nucleotide position 1582. The alanine at codon 528 is replaced by threonine, an amino acid with similar properties. This amino acid position is conserved. In addition, in silico predictors for this gene do not accurately predict pathogenicity. Based on the available evidence, the clinical significance of this variant remains unclear.

Labcorp Genetics (formerly Invitae), Labcorp
Classification: Uncertain significance for Familial adenomatous polyposis 1. Last evaluated: 2023-11-24. Review status: criteria provided, single submitter. Criteria: Invitae Variant Classification Sherloc (09022015). Collection method: clinical testing. Allele origin: germline.
Comment: This sequence change replaces alanine, which is neutral and non-polar, with threonine, which is neutral and polar, at codon 528 of the APC protein (p.Ala528Thr). This variant is not present in population databases (gnomAD no frequency). This variant has not been reported in the literature in individuals affected with APC-related conditions. ClinVar contains an entry for this variant (Variation ID: 921844). Advanced modeling of protein sequence and biophysical properties (such as structural, functional, and spatial information, amino acid conservation, physicochemical variation, residue mobility, and thermodynamic stability) performed at Invitae indicates that this missense variant is not expected to disrupt APC protein function with a negative predictive value of 95%. In summary, the available evidence is currently insufficient to determine the role of this variant in disease. Therefore, it has been classified as a Variant of Uncertain Significance.

Color Diagnostics, LLC DBA Color Health
Classification: Uncertain significance for Hereditary cancer-predisposing syndrome. Last evaluated: 2022-08-08. Review status: criteria provided, single submitter. Criteria: ACMG Guidelines, 2015. Collection method: clinical testing. Allele origin: germline.
Comment: This missense variant replaces alanine with threonine at codon 528 of the APC protein. Computational prediction is inconclusive regarding the impact of this variant on protein structure and function (internally defined REVEL score threshold 0.5 < inconclusive < 0.7, PMID: 27666373). To our knowledge, functional studies have not been reported for this variant. This variant has not been reported in individuals affected with hereditary cancer in the literature. This variant has not been identified in the general population by the Genome Aggregation Database (gnomAD). The available evidence is insufficient to determine the role of this variant in disease conclusively. Therefore, this variant is classified as a Variant of Uncertain Significance.